The following is an entry in ClinVar:

NM_001354604.2(MITF):c.667-3C>T

Gene: MITF (melanocyte inducing transcription factor; plus strand). Cytogenetic location: 3p13.
Variant type: single nucleotide variant.
Coding change: c.667-3C>T on transcript NM_001354604.2 (MANE Select); 3 bases into the intron before coding-DNA position 667, C replaced by T.
Molecular consequence: intron variant.
Genome position (GRCh38, 1-based): chr3:69,941,233, C>T. VCF-style: chr3-69941233-C-T. GRCh37 (hg19) VCF-style: chr3-69990384-C-T.
Other names: c.616-3C>T (NM_001354607.2); c.667-3C>T (NM_198159.3); c.664-3C>T (NM_001354605.2, NM_001354606.2, NM_006722.3); c.511-3C>T (NM_001354608.2, NM_001184967.2); c.619-3C>T (NM_198177.3); c.346-3C>T (NM_000248.4, NM_198158.3, NM_000248.3); c.178-3C>T (NM_198178.3).
Identifiers: ClinVar variation 228857 (VCV000228857.16), dbSNP rs376704147, ClinGen allele CA2490436.
Genomic context (GRCh38, chr3:69,941,233, plus strand): 5'-TTTTAGGTTGTGTTGCATAGTTTATTTATTTTTGTCTCTCTTCTCTTACCCTTTTTCCTA[C>T]AGATGGATGATGTAATCGATGACATCATTAGCCTAGAATCAAGTTATAATGAGGAAATCT-3'

ClinVar aggregate classification (germline): Likely benign. Review status: criteria provided, multiple submitters, no conflicts (2 of 4 stars). 4 submissions from 4 submitters: Likely benign (3). 1 of the submissions does not count toward it. Last evaluated 2025-12-24.

Conditions:
MITF-related disorder. Also called: MITF-related condition.
Waardenburg syndrome type 2A (WS2A). Also called: WAARDENBURG SYNDROME WITHOUT DYSTOPIA CANTHORUM. Identifiers: Orphanet 3440, MedGen C1860339, MONDO:0008671, OMIM 193510.
Melanoma, cutaneous malignant, susceptibility to, 8. Also called: MELANOMA AND RENAL CELL CARCINOMA, SUSCEPTIBILITY TO; Cutaneous malignant melanoma 8. Identifiers: Orphanet 293822, MedGen C3152204, MONDO:0013759, OMIM 614456.
Tietz syndrome (TADS). Also called: TIETZ ALBINISM-DEAFNESS SYNDROME; ALBINISM-DEAFNESS OF TIETZ; HYPOPIGMENTATION/DEAFNESS OF TIETZ. Identifiers: Orphanet 42665, MedGen C0391816, MONDO:0007077, OMIM 103500.

Allele frequency attached by ClinVar (database versions not stated): gnomAD exomes 0.00002 and 0.00006; ExAC 0.00008; gnomAD 0.00020 and 0.00021; ESP Exome Variant Server 0.00023; TOPMed 0.00026; 1000 Genomes Project 0.00040; 1000 Genomes Project 30x 0.00062.
gnomAD v4.1: 61 of 1,596,408 alleles (0.0038%); highest among the groups gnomAD compares: African/African-American, 0.075%; no homozygotes.

Submissions (4):

Labcorp Genetics (formerly Invitae), Labcorp
Classification: Likely benign for Melanoma, cutaneous malignant, susceptibility to, 8; Waardenburg syndrome type 2A; Tietz syndrome. Last evaluated: 2025-12-24. Review status: criteria provided, single submitter. Criteria: Invitae Variant Classification Sherloc (09022015). Collection method: clinical testing. Allele origin: germline.

Laboratory for Molecular Medicine, Mass General Brigham Personalized Medicine
Classification: Likely benign. Last evaluated: 2020-01-14. Review status: criteria provided, single submitter. Criteria: LMM Criteria. Collection method: clinical testing. Allele origin: germline. Observed: 2 variant alleles.
Comment: The c.346-3C>T variant in MITF is classified as likely benign because it has been identified in 0.09% (23/24924) of African chromosomes by gnomAD. Computational splice prediction tools do not predict an impact on splicing. ACMG/AMP Criteria applied: BS1, BP4.

GeneDx
Classification: Likely benign. Last evaluated: 2020-01-08. Review status: criteria provided, single submitter. Criteria: GeneDx Variant Classification Process June 2021. Collection method: clinical testing. Allele origin: germline. Affected: yes.

PreventionGenetics, part of Exact Sciences
Classification: Likely benign for MITF-related condition. Last evaluated: 2023-03-21. Review status: no assertion criteria provided. Collection method: clinical testing. Allele origin: germline. Not counted in ClinVar's aggregate classification.
Comment: This variant is classified as likely benign based on ACMG/AMP sequence variant interpretation guidelines (Richards et al. 2015 PMID: 25741868, with internal and published modifications).